The following is an entry in ClinVar:

ClinVar aggregate classification (germline): Uncertain significance (1 of 4 stars; one submission).

gnomAD v4.1: 38 of 699,832 alleles (0.0054%); highest among the groups gnomAD compares: Admixed American, 0.012%; no homozygotes.

Submission:

Labcorp Genetics (formerly Invitae), Labcorp
Classification: Uncertain significance. Last evaluated: 2024-01-22. Review status: criteria provided, single submitter. Criteria: Invitae Variant Classification Sherloc (09022015). Collection method: clinical testing. Allele origin: germline.
Comment: This variant occurs in the RNU4ATAC gene, which encodes an RNA molecule that does not result in a protein product. This variant is present in population databases (no rsID available, gnomAD 0.02%). This variant has not been reported in the literature in individuals affected with RNU4ATAC-related conditions. ClinVar contains an entry for this variant (Variation ID: 1501793). Experimental studies and prediction algorithms are not available or were not evaluated, and the functional significance of this variant is currently unknown. In summary, the available evidence is currently insufficient to determine the role of this variant in disease. Therefore, it has been classified as a Variant of Uncertain Significance.

NC_000002.12:g.121530922A>C

Genes: CLASP1 (cytoplasmic linker associated protein 1; minus strand), CLASP1-AS1 (CLASP1 antisense RNA 1; plus strand), RNU4ATAC (RNA, U4atac small nuclear; plus strand). Cytogenetic location: 2q14.2.
Variant type: single nucleotide variant.
Molecular consequence: intron variant (on NM_001395891.1).
Genome position: GRCh38 VCF-style: chr2-121530922-A-C. GRCh37 (hg19) VCF-style: chr2-122288498-A-C.
Other names: c.196-597T>G (NM_001142273.2, NM_001207051.2, NM_001378005.1 and 5 more transcripts).
Identifiers: ClinVar variation 1501793 (VCV001501793.4), dbSNP rs553096682, ClinGen allele CA54810839.